The following is an entry in ClinVar:

NM_016111.4(TELO2):c.1344C>T (p.Asp448=)

Gene: TELO2 (telomere maintenance 2; plus strand). Cytogenetic location: 16p13.3.
Variant type: single nucleotide variant.
Coding change: c.1344C>T on transcript NM_016111.4 (MANE Select); coding-DNA position 1344, C replaced by T.
Protein change: p.Asp448=; no amino-acid change (aspartic acid 448 retained).
Molecular consequence: synonymous variant.
Genome position (GRCh38, 1-based): chr16:1,501,482, C>T. VCF-style: chr16-1501482-C-T. GRCh37 (hg19) VCF-style: chr16-1551483-C-T.
Other names: c.1344C>T, p.Asp448= (NM_001351846.2).
Identifiers: ClinVar variation 2645901 (VCV002645901.26), dbSNP rs370665424, ClinGen allele CA7812076.

ClinVar aggregate classification (germline): Likely benign. Review status: criteria provided, multiple submitters, no conflicts (2 of 4 stars). 2 submissions from 2 submitters: Likely benign (2). Last evaluated 2025-12-09.

Allele frequency attached by ClinVar (database versions not stated): ExAC 0.00002; gnomAD 0.00007; ESP Exome Variant Server 0.00008; TOPMed 0.00009.

Submissions (2):

Labcorp Genetics (formerly Invitae), Labcorp
Classification: Likely benign. Last evaluated: 2025-12-09. Review status: criteria provided, single submitter. Criteria: Invitae Variant Classification Sherloc (09022015). Collection method: clinical testing. Allele origin: germline.

CeGaT Center for Human Genetics Tuebingen
Classification: Likely benign. Last evaluated: 2023-01-01. Review status: criteria provided, single submitter. Criteria: CeGaT Center For Human Genetics Tuebingen Variant Classification Criteria Version 2. Collection method: clinical testing. Allele origin: germline. Affected: yes. Observed: 1 variant allele.
Comment: TELO2: BP4, BP7